The following is an entry in ClinVar:

ClinVar aggregate classification (germline): Likely pathogenic (1 of 4 stars; one submission).

Conditions:
Mucopolysaccharidosis, MPS-IV-A (MPS4A). Also called: Morquio syndrome A, mild; MORQUIO SYNDROME A; GALACTOSAMINE-6-SULFATASE DEFICIENCY; GALNS DEFICIENCY; MORQUIO A DISEASE; Mucopolysaccharidosis type IV A. Identifiers: Orphanet 309297, Orphanet 582, MedGen C0086651, MONDO:0009659, OMIM 253000.

Submission:

Neuberg Centre For Genomic Medicine, NCGM
Classification: Likely pathogenic for Mucopolysaccharidosis, MPS-IV-A. Review status: criteria provided, single submitter. Criteria: ACMG Guidelines, 2015. Collection method: clinical testing. Allele origin: germline. Inheritance: Autosomal recessive inheritance. Affected: yes.
Comment: The observed frameshift variant c.245_248del(p.Ser82TrpfsTer46)) in the GALNS gene has not been reported previously as a pathogenic variant nor as a benign variant, to our knowledge. This variant is absent in the gnomAD Exomes. This variant causes a frameshift starting with codon Serine 82, changes this amino acid to Tryptophan residue, and creates a premature Stop codon at position 46 of the new reading frame, denoted p.Ser82TrpfsTer46. This variant is predicted to cause loss of normal protein function through protein truncation. Loss of function variants have been previously reported to be disease causing (Montaño AM, et al., 2003). For these reasons, this variant has been classified as Likely Pathogenic.

NM_000512.5(GALNS):c.245_248del

Gene: GALNS (galactosamine (N-acetyl)-6-sulfatase; minus strand). Cytogenetic location: 16q24.3.
Variant type: Deletion.
Coding change: c.245_248del on transcript NM_000512.5 (MANE Select); coding-DNA positions 245 to 248, 4 bases deleted (CGAG; older notation c.245_248delCGAG).
Molecular consequence: splice acceptor variant.
Genome position (GRCh38, 1-based): chr16:88,841,968-88,841,971, CTCG deleted on the plus strand (CGAG on the coding strand, the reverse complement: GALNS is on the minus strand); deleting any 4 consecutive bases within chr16:88,841,968-88,841,973 gives the same sequence; the c. name uses the placement nearest the transcript's 3' end. VCF-style (leftmost placement, unchanged base first): chr16-88841967-CCTCG-C. GRCh37 (hg19) VCF-style: chr16-88908375-CCTCG-C.
Identifiers: ClinVar variation 3242149 (VCV003242149.1), dbSNP rs2543574319.
Genomic context (GRCh38, chr16:88,841,967, plus strand): 5'-ATGGGCGTTGGTGGTGTAGAAGCCATTGCGGATGGGTAGCCGTCCTGTGAGCAGTGCCGC[CCTCG>C]CTATGTGGAGGTGACAGAAACAGAAACTGGATAAGAAGGGTGTGGCTCAGACCCCGGGCG-3'